The following is an entry in ClinVar:

NM_001080517.3(SETD5):c.4065G>A (p.Ser1355=)

Gene: SETD5 (SET domain containing 5; plus strand). Cytogenetic location: 3p25.3.
Variant type: single nucleotide variant.
Coding change: c.4065G>A on transcript NM_001080517.3 (MANE Select); coding-DNA position 4065, G replaced by A.
Protein change: p.Ser1355=; no amino-acid change (serine 1355 retained).
Molecular consequence: synonymous variant.
Genome position (GRCh38, 1-based): chr3:9,475,827, G>A. VCF-style: chr3-9475827-G-A. GRCh37 (hg19) VCF-style: chr3-9517511-G-A.
Other names: c.4065G>A (NM_001080517.2); c.3771G>A, p.Ser1257= (NM_001292043.2, NM_001349451.2).
Identifiers: ClinVar variation 1289497 (VCV001289497.11), dbSNP rs554246026, ClinGen allele CA2239857.

ClinVar aggregate classification (germline): Benign. Review status: criteria provided, multiple submitters, no conflicts (2 of 4 stars). 3 submissions from 3 submitters: Benign (2). 1 of the submissions does not count toward it. Last evaluated 2025-08-13.

Conditions:
SETD5-related disorder. Also called: SETD5-related disorders; SETD5-related condition.

Allele frequency attached by ClinVar (database versions not stated): TOPMed 0.00003; gnomAD 0.00004 and 0.00010; 1000 Genomes Project 30x 0.00016; gnomAD exomes 0.00017 and 0.00030; 1000 Genomes Project 0.00020; ExAC 0.00034.
gnomAD v4.1: 254 of 1,613,942 alleles (0.016%); highest among the groups gnomAD compares: South Asian, 0.22%; 3 homozygotes.

Submissions (3):

Labcorp Genetics (formerly Invitae), Labcorp
Classification: Benign. Last evaluated: 2025-08-13. Review status: criteria provided, single submitter. Criteria: Invitae Variant Classification Sherloc (09022015). Collection method: clinical testing. Allele origin: germline.

GeneDx
Classification: Benign. Last evaluated: 2018-09-05. Review status: criteria provided, single submitter. Criteria: GeneDx Variant Classification Process June 2021. Collection method: clinical testing. Allele origin: germline. Affected: yes.

PreventionGenetics, part of Exact Sciences
Classification: Likely benign for SETD5-related condition. Last evaluated: 2024-05-30. Review status: no assertion criteria provided. Collection method: clinical testing. Allele origin: germline. Not counted in ClinVar's aggregate classification.
Comment: This variant is classified as likely benign based on ACMG/AMP sequence variant interpretation guidelines (Richards et al. 2015 PMID: 25741868, with internal and published modifications).